The following is an entry in ClinVar:

NM_006922.4(SCN3A):c.3327G>C (p.Glu1109Asp)

Gene: SCN3A (sodium voltage-gated channel alpha subunit 3; minus strand). Cytogenetic location: 2q24.3.
Variant type: single nucleotide variant.
Coding change: c.3327G>C on transcript NM_006922.4 (MANE Select); coding-DNA position 3327, G replaced by C.
Protein change: p.Glu1109Asp; replaces glutamic acid 1109 with aspartic acid.
Molecular consequence: missense variant.
Genome position (GRCh38, 1-based): chr2:165,127,697, C>G on the plus strand (G>C on the coding strand, the complement: SCN3A is on the minus strand). VCF-style: chr2-165127697-C-G. GRCh37 (hg19) VCF-style: chr2-165984207-C-G.
Other names: c.3180G>C, p.Glu1060Asp (NM_001081676.2, NM_001081677.2); short protein forms E1060D, E1109D.
Identifiers: ClinVar variation 1507746 (VCV001507746.9), dbSNP rs754247713, ClinGen allele CA349040256.
Genomic context (GRCh38, chr2:165,127,697, plus strand): 5'-GCTTTCTTCTAGTTCTGACTCACTGCTGAACTCTTCAGTATTTAAGTTTTCAAAGTCAGA[C>G]TCTCCAACAGCAATTGGCACTGTGACGGTGAGGCTGGGGTTGTTTATGAATGACATATAA-3'
Protein context (NP_008853.3, residues 1099-1119): LTVTVPIAVG[Glu1109Asp]SDFENLNTEE

ClinVar aggregate classification (germline): Uncertain significance (1 of 4 stars; one submission).

Submission:

Labcorp Genetics (formerly Invitae), Labcorp
Classification: Uncertain significance. Last evaluated: 2022-08-23. Review status: criteria provided, single submitter. Criteria: Invitae Variant Classification Sherloc (09022015). Collection method: clinical testing. Allele origin: germline.
Comment: In summary, the available evidence is currently insufficient to determine the role of this variant in disease. Therefore, it has been classified as a Variant of Uncertain Significance. Algorithms developed to predict the effect of missense changes on protein structure and function are either unavailable or do not agree on the potential impact of this missense change (SIFT: "Deleterious"; PolyPhen-2: "Possibly Damaging"; Align-GVGD: "Class C0"). ClinVar contains an entry for this variant (Variation ID: 1507746). This variant has not been reported in the literature in individuals affected with SCN3A-related conditions. This variant is not present in population databases (gnomAD no frequency). This sequence change replaces glutamic acid, which is acidic and polar, with aspartic acid, which is acidic and polar, at codon 1109 of the SCN3A protein (p.Glu1109Asp).